The following is an entry in ClinVar:

ClinVar aggregate classification (germline): Pathogenic (1 of 4 stars; one submission).

Conditions:
Nemaline myopathy 2 (NEM2). Also called: Nemaline myopathy 2, autosomal recessive. Identifiers: MedGen C1850569, MONDO:0009725, OMIM 256030.

Submission:

Myriad Genetics, Inc.
Classification: Pathogenic for Nemaline myopathy 2. Last evaluated: 2026-02-24. Review status: criteria provided, single submitter. Criteria: Myriad Autosomal Dominant, Autosomal Recessive and X-Linked Classification Criteria (2023). Collection method: clinical testing. Allele origin: unknown.
Comment: NM_001271208.1(NEB):c.20019_20020dupCA(I6674Tfs*8) is expected to be pathogenic in the context of NEB-related nemaline myopathy. This variant is predicted to lead to an abnormal or absent protein product due to the creation of a premature termination codon in NEB, a gene where loss-of-function variants are known to be pathogenic. Please note: this variant was assessed in the context of healthy population screening.

NM_001164508.2(NEB):c.20019_20020dup (p.Ile6674fs)

Gene: NEB (nebulin; minus strand). Cytogenetic location: 2q23.3.
Variant type: Microsatellite.
Coding change: c.20019_20020dup on transcript NM_001164508.2 (MANE Select); coding-DNA positions 20019 to 20020, 2 bases duplicated (CA; older notation c.20019_20020dupCA).
Protein change: p.Ile6674fs; shifts the reading frame from isoleucine 6674.
Molecular consequence: frameshift variant.
Genome position (GRCh38, 1-based): chr2:151,549,665-151,549,666, TG duplicated on the plus strand (CA on the coding strand, the reverse complement: NEB is on the minus strand); duplicating any 2 consecutive bases within chr2:151,549,665-151,549,669 gives the same sequence; the c. name uses the placement nearest the transcript's 3' end. VCF-style (leftmost placement, unchanged base first): chr2-151549664-A-ATG. GRCh37 (hg19) VCF-style: chr2-152406178-A-ATG.
Other names: c.20019_20020dup, p.Ile6674fs (NM_001164507.2, NM_001271208.2); c.14916_14917dup, p.Ile4973fs (NM_004543.5); short protein forms I4973fs, I6674fs.
Identifiers: ClinVar variation 5015601 (VCV005015601.1).
Genomic context (GRCh38, chr2:151,549,664, plus strand): 5'-AGACCCATCTCAATGAGGAGGAGACCACTCACATAACTGCTCATGTAACGGGTGTCCTTG[A>ATG]TGTGTTTGAAGTGAGGAGTGTCACCTGGAAGTCTATATCCAGTGGGCAGGGTGCGCAGGC-3'